The following is an entry in ClinVar:

NM_018942.3(HMX1):c.283G>A (p.Gly95Ser)

Gene: HMX1 (H6 family homeobox 1; minus strand). Cytogenetic location: 4p16.1.
Variant type: single nucleotide variant.
Coding change: c.283G>A on transcript NM_018942.3 (MANE Select); coding-DNA position 283, G replaced by A.
Protein change: p.Gly95Ser; replaces glycine 95 with serine.
Molecular consequence: missense variant.
Genome position (GRCh38, 1-based): chr4:8,871,332, C>T on the plus strand (G>A on the coding strand, the complement: HMX1 is on the minus strand). VCF-style: chr4-8871332-C-T. GRCh37 (hg19) VCF-style: chr4-8873058-C-T.
Other names: c.283G>A, p.Gly95Ser (NM_001306142.2); short protein forms G95S.
Identifiers: ClinVar variation 943272 (VCV000943272.7), dbSNP rs1489967377, ClinGen allele CA356278946.

ClinVar aggregate classification (germline): Uncertain significance (1 of 4 stars; one submission).

Allele frequency attached by ClinVar (database versions not stated): gnomAD 0.00003 and 0.00004; TOPMed 0.00003.
gnomAD v4.1: 10 of 1,316,600 alleles (0.00076%); highest among the groups gnomAD compares: African/African-American, 0.016%; no homozygotes.

Submission:

Labcorp Genetics (formerly Invitae), Labcorp
Classification: Uncertain significance. Last evaluated: 2022-06-04. Review status: criteria provided, single submitter. Criteria: Invitae Variant Classification Sherloc (09022015). Collection method: clinical testing. Allele origin: germline.
Comment: In summary, the available evidence is currently insufficient to determine the role of this variant in disease. Therefore, it has been classified as a Variant of Uncertain Significance. Algorithms developed to predict the effect of sequence changes on RNA splicing suggest that this variant may create or strengthen a splice site. Algorithms developed to predict the effect of missense changes on protein structure and function are either unavailable or do not agree on the potential impact of this missense change (SIFT: "Tolerated"; PolyPhen-2: "Not Available"; Align-GVGD: "Class C0"). ClinVar contains an entry for this variant (Variation ID: 943272). This variant has not been reported in the literature in individuals affected with HMX1-related conditions. This variant is present in population databases (no rsID available, gnomAD 0.01%). This sequence change replaces glycine, which is neutral and non-polar, with serine, which is neutral and polar, at codon 95 of the HMX1 protein (p.Gly95Ser).